The following is an entry in ClinVar:

NM_000540.3(RYR1):c.2168-14G>A

Gene: RYR1 (ryanodine receptor 1; plus strand). Cytogenetic location: 19q13.2.
Variant type: single nucleotide variant.
Coding change: c.2168-14G>A on transcript NM_000540.3 (MANE Select); 14 bases into the intron before coding-DNA position 2168, G replaced by A.
Molecular consequence: intron variant.
Genome position (GRCh38, 1-based): chr19:38,459,132, G>A. VCF-style: chr19-38459132-G-A. GRCh37 (hg19) VCF-style: chr19-38949772-G-A.
Other names: c.2168-14G>A (NM_001042723.2).
Identifiers: ClinVar variation 3710455 (VCV003710455.2).

ClinVar aggregate classification (germline): Uncertain significance (1 of 4 stars; one submission).

Conditions:
RYR1-related disorder. Also called: RYR1-related condition; RYR1-related disorders. Identifiers: MedGen CN239331.

Submission:

Labcorp Genetics (formerly Invitae), Labcorp
Classification: Uncertain significance for RYR1-related disorder. Last evaluated: 2024-03-01. Review status: criteria provided, single submitter. Criteria: Invitae Variant Classification Sherloc (09022015). Collection method: clinical testing. Allele origin: germline.
Comment: This sequence change falls in intron 18 of the RYR1 gene. It does not directly change the encoded amino acid sequence of the RYR1 protein. This variant is not present in population databases (gnomAD no frequency). This variant has not been reported in the literature in individuals affected with RYR1-related conditions. Algorithms developed to predict the effect of sequence changes on RNA splicing suggest that this variant may disrupt the consensus splice site. In summary, the available evidence is currently insufficient to determine the role of this variant in disease. Therefore, it has been classified as a Variant of Uncertain Significance.